The following is an entry in ClinVar:

ClinVar aggregate classification (germline): Uncertain significance (1 of 4 stars; one submission).

Allele frequency attached by ClinVar (database versions not stated): TOPMed 0.00001.

Submission:

Labcorp Genetics (formerly Invitae), Labcorp
Classification: Uncertain significance. Last evaluated: 2025-01-13. Review status: criteria provided, single submitter. Criteria: Invitae Variant Classification Sherloc (09022015). Collection method: clinical testing. Allele origin: germline.
Comment: This sequence change replaces alanine, which is neutral and non-polar, with valine, which is neutral and non-polar, at codon 119 of the IFT81 protein (p.Ala119Val). This variant is present in population databases (no rsID available, gnomAD no frequency). This variant has not been reported in the literature in individuals affected with IFT81-related conditions. ClinVar contains an entry for this variant (Variation ID: 1899699). Invitae Evidence Modeling of protein sequence and biophysical properties (such as structural, functional, and spatial information, amino acid conservation, physicochemical variation, residue mobility, and thermodynamic stability) indicates that this missense variant is expected to disrupt IFT81 protein function with a positive predictive value of 80%. In summary, the available evidence is currently insufficient to determine the role of this variant in disease. Therefore, it has been classified as a Variant of Uncertain Significance.

NM_014055.4(IFT81):c.356C>T (p.Ala119Val)

Gene: IFT81 (intraflagellar transport 81; plus strand). Cytogenetic location: 12q24.11.
Variant type: single nucleotide variant.
Coding change: c.356C>T on transcript NM_014055.4 (MANE Select); coding-DNA position 356, C replaced by T.
Protein change: p.Ala119Val; replaces alanine 119 with valine.
Molecular consequence: missense variant. On other transcripts: 5 prime UTR variant (2), non-coding transcript variant (4).
Genome position (GRCh38, 1-based): chr12:110,129,057, C>T. VCF-style: chr12-110129057-C-T. GRCh37 (hg19) VCF-style: chr12-110566862-C-T.
Other names: c.356C>T, p.Ala119Val (NM_001143779.2, NM_001347946.2, NM_031473.4); c.-411C>T (NM_001347947.2, NM_001347948.2); short protein forms A119V.
Identifiers: ClinVar variation 1899699 (VCV001899699.4), dbSNP rs1438920011, ClinGen allele CA386907586.